The following is an entry in ClinVar:

NM_004281.4(BAG3):c.-95G>A

Gene: BAG3 (BAG cochaperone 3; plus strand). Cytogenetic location: 10q26.11.
Variant type: single nucleotide variant.
Coding change: c.-95G>A on transcript NM_004281.4 (MANE Select); 95 bases upstream of the start codon, G replaced by A.
Molecular consequence: 5 prime UTR variant.
Genome position (GRCh38, 1-based): chr10:119,651,581, G>A. VCF-style: chr10-119651581-G-A. GRCh37 (hg19) VCF-style: chr10-121411093-G-A.
Identifiers: ClinVar variation 298953 (VCV000298953.35), dbSNP rs111750619, ClinGen allele CA10634756.

ClinVar aggregate classification (germline): Conflicting classifications of pathogenicity. Review status: criteria provided, conflicting classifications (1 of 4 stars). 3 submissions from 2 submitters: Uncertain significance (2); Likely benign (1). Last evaluated 2023-05-01.

Conditions:
Dilated cardiomyopathy 1HH (CMD1HH). Identifiers: Orphanet 154, MedGen C3151293, MONDO:0013479, OMIM 613881.
Myofibrillar myopathy 6. Identifiers: Orphanet 199340, MedGen C2751831, MONDO:0013061, OMIM 612954.

Allele frequency attached by ClinVar (database versions not stated): 1000 Genomes Project 30x 0.00016; 1000 Genomes Project 0.00020; gnomAD 0.00206 and 0.00218; TOPMed 0.00237.
gnomAD v4.1: 4,421 of 1,208,440 alleles (0.37%); highest among the groups gnomAD compares: Non-Finnish European, 0.42%; 11 homozygotes.

Submissions (3):

CeGaT Center for Human Genetics Tuebingen
Classification: Likely benign. Last evaluated: 2023-05-01. Review status: criteria provided, single submitter. Criteria: CeGaT Center For Human Genetics Tuebingen Variant Classification Criteria Version 2. Collection method: clinical testing. Allele origin: germline. Affected: yes. Observed: 11 variant alleles.
Comment: BAG3: BS1

Illumina Laboratory Services, Illumina
Classification: Uncertain significance for Dilated cardiomyopathy 1HH. Last evaluated: 2018-01-13. Review status: criteria provided, single submitter. Criteria: ICSL Variant Classification Criteria 13 December 2019. Collection method: clinical testing. Allele origin: germline.

Illumina Laboratory Services, Illumina
Classification: Uncertain significance for Myofibrillar myopathy 6. Last evaluated: 2018-01-13. Review status: criteria provided, single submitter. Criteria: ICSL Variant Classification Criteria 13 December 2019. Collection method: clinical testing. Allele origin: germline.